The following is an entry in ClinVar:

ClinVar aggregate classification (germline): Uncertain significance. Review status: criteria provided, multiple submitters, no conflicts (2 of 4 stars). 3 submissions from 3 submitters: Uncertain significance (2). 1 of the submissions does not count toward it. Last evaluated 2026-02-06.

Conditions:
LMX1A-related disorder. Also called: LMX1A-related condition.
Autosomal dominant nonsyndromic hearing loss 7. Also called: Deafness, autosomal dominant 7. Identifiers: Orphanet 90635, MedGen C1832379, MONDO:0011074, OMIM 601412.

gnomAD v4.1: 2 of 1,614,220 alleles (0.00012%); highest among the groups gnomAD compares: African/African-American, 0.0013%; no homozygotes.

Submissions (3):

PreventionGenetics, part of Exact Sciences
Classification: Uncertain significance for LMX1A-related condition. Last evaluated: 2026-02-06. Review status: criteria provided, single submitter. Criteria: ACMG Guidelines, 2015. Collection method: clinical testing. Allele origin: germline.
Comment: The LMX1A c.589C>T variant is predicted to result in the amino acid substitution p.Arg197Cys. To our knowledge, this variant has not been reported in the literature or in a large population database (gnomAD), indicating this variant is rare. At this time, the clinical significance of this variant is uncertain due to the absence of conclusive functional and genetic evidence.

Blueprint Genetics
Classification: Uncertain significance. Last evaluated: 2023-03-29. Review status: criteria provided, single submitter. Criteria: ACMG Guidelines, 2015. Collection method: clinical testing. Allele origin: germline.

Diagnostics Centre, Carl Von Ossietzky University Oldenburg
Classification: Uncertain significance for Autosomal dominant nonsyndromic hearing loss 7. Last evaluated: 2025-07-21. Review status: no assertion criteria provided. Collection method: clinical testing. Allele origin: germline. Affected: yes. Observed: 1 variant allele. Not counted in ClinVar's aggregate classification.
Comment: The variant LMX1A:c.589C>T p.(Arg197Cys), located in the exon 5 of the LMX1A gene, results from a cytosine-to-thymine substitution at nucleotide position c.589. The arginine at protein position 197 is replaced by a cysteine. The affected position is located in the functional homeodomain of the protein. In silico tools predict a significant deleterious effect in the protein structure/function (REVEL = 0,87). The variant has not yet been described in ClinVar or in any publications known to us. The variant is classified as rare in the general population (MAF 1.4 * e-6 in gnomAD). In summary, the variant is classified as a variant of uncertain significance.

NM_177398.4(LMX1A):c.589C>T (p.Arg197Cys)

Gene: LMX1A (LIM homeobox transcription factor 1 alpha; minus strand). Cytogenetic location: 1q23.3.
Variant type: single nucleotide variant.
Coding change: c.589C>T on transcript NM_177398.4 (MANE Select); coding-DNA position 589, C replaced by T.
Protein change: p.Arg197Cys; replaces arginine 197 with cysteine.
Molecular consequence: missense variant.
Genome position (GRCh38, 1-based): chr1:165,213,721, G>A on the plus strand (C>T on the coding strand, the complement: LMX1A is on the minus strand). VCF-style: chr1-165213721-G-A. GRCh37 (hg19) VCF-style: chr1-165182958-G-A.
Other names: c.589C>T, p.Arg197Cys (NM_001174069.2); c.589C>T (NM_001174069.1); short protein forms R197C.
Identifiers: ClinVar variation 4845259 (VCV004845259.3).